The following is an entry in ClinVar:

NM_006767.4(LZTR1):c.412G>C (p.Gly138Arg)

Gene: LZTR1 (leucine zipper like post translational regulator 1; plus strand). Cytogenetic location: 22q11.21.
Variant type: single nucleotide variant.
Coding change: c.412G>C on transcript NM_006767.4 (MANE Select); coding-DNA position 412, G replaced by C.
Protein change: p.Gly138Arg; replaces glycine 138 with arginine.
Molecular consequence: missense variant.
Genome position (GRCh38, 1-based): chr22:20,988,021, G>C. VCF-style: chr22-20988021-G-C. GRCh37 (hg19) VCF-style: chr22-21342310-G-C.
Other names: short protein forms G138R.
Identifiers: ClinVar variation 4101813 (VCV004101813.1).

ClinVar aggregate classification (germline): Uncertain significance (1 of 4 stars; one submission).

Conditions:
Cardiovascular phenotype. Identifiers: MedGen CN230736.
Hereditary cancer-predisposing syndrome. Also called: Tumor predisposition; Neoplastic Syndromes, Hereditary; Hereditary neoplastic syndrome; Hereditary Cancer Syndrome. Identifiers: Orphanet 140162, MedGen C0027672, MeSH D009386, MONDO:0015356.

Submission:

Ambry Genetics
Classification: Uncertain significance for Cardiovascular phenotype; Hereditary cancer-predisposing syndrome. Last evaluated: 2025-08-09. Review status: criteria provided, single submitter. Criteria: Ambry Variant Classification Scheme 2023. Collection method: clinical testing. Allele origin: germline.
Comment: The p.G138R variant (also known as c.412G>C), located in coding exon 5 of the LZTR1 gene, results from a G to C substitution at nucleotide position 412. The glycine at codon 138 is replaced by arginine, an amino acid with dissimilar properties. This amino acid position is conserved. In addition, this alteration is predicted to be deleterious by in silico analysis. Based on the available evidence, the clinical significance of this variant remains unclear.